The following is an entry in ClinVar:

NM_139076.3(ABRAXAS1):c.1108T>A (p.Ser370Thr)

Gene: ABRAXAS1 (abraxas 1, BRCA1 A complex subunit; minus strand). Cytogenetic location: 4q21.23.
Variant type: single nucleotide variant.
Coding change: c.1108T>A on transcript NM_139076.3 (MANE Select); coding-DNA position 1108, T replaced by A.
Protein change: p.Ser370Thr; replaces serine 370 with threonine.
Molecular consequence: missense variant.
Genome position (GRCh38, 1-based): chr4:83,462,591, A>T on the plus strand (T>A on the coding strand, the complement: ABRAXAS1 is on the minus strand). VCF-style: chr4-83462591-A-T. GRCh37 (hg19) VCF-style: chr4-84383744-A-T.
Other names: p.S370T:TCT>ACT; c.781T>A, p.Ser261Thr (NM_001345962.2); short protein forms S370T, S261T.
Identifiers: ClinVar variation 128216 (VCV000128216.7), dbSNP rs587780263, ClinGen allele CA288635.
Genomic context (GRCh38, chr4:83,462,591, plus strand): 5'-TTTCTGGGCTGCTCATTTTGGATGCTTTATCTTGGTTACTACTACCAGTATCTGCTTTAG[A>T]TCGTTTGTCTTGTGTATCTAACAACCGAGATCTCTTGAATTGCCATCTGTCATCTAAGTC-3'
Protein context (NP_620775.2, residues 360-380): SRLLDTQDKR[Ser370Thr]KADTGSSNQD

ClinVar aggregate classification (germline): Uncertain significance. Review status: criteria provided, multiple submitters, no conflicts (2 of 4 stars). 3 submissions from 3 submitters: Uncertain significance (3). Last evaluated 2023-01-12.

Conditions:
Hereditary cancer-predisposing syndrome. Also called: Hereditary neoplastic syndrome; Neoplastic Syndromes, Hereditary; Hereditary Cancer Syndrome; Tumor predisposition. Identifiers: Orphanet 140162, MedGen C0027672, MeSH D009386, MONDO:0015356.

Allele frequency attached by ClinVar (database versions not stated): gnomAD exomes 0.00001.
gnomAD v4.1: 13 of 1,613,994 alleles (0.00081%); highest among the groups gnomAD compares: Middle Eastern, 0.017%; no homozygotes.

Submissions (3):

Labcorp Genetics (formerly Invitae), Labcorp
Classification: Uncertain significance. Last evaluated: 2023-01-12. Review status: criteria provided, single submitter. Criteria: Invitae Variant Classification Sherloc (09022015). Collection method: clinical testing. Allele origin: germline.
Comment: This sequence change replaces serine, which is neutral and polar, with threonine, which is neutral and polar, at codon 370 of the ABRAXAS1 protein (p.Ser370Thr). This variant is present in population databases (rs587780263, gnomAD 0.0009%). This variant has not been reported in the literature in individuals affected with ABRAXAS1-related conditions. ClinVar contains an entry for this variant (Variation ID: 128216). Algorithms developed to predict the effect of missense changes on protein structure and function (SIFT, PolyPhen-2, Align-GVGD) all suggest that this variant is likely to be tolerated. In summary, the available evidence is currently insufficient to determine the role of this variant in disease. Therefore, it has been classified as a Variant of Uncertain Significance.

GeneKor MSA
Classification: Uncertain significance for Hereditary cancer-predisposing syndrome. Last evaluated: 2018-08-01. Review status: criteria provided, single submitter. Criteria: ACMG Guidelines, 2015. Collection method: clinical testing. Allele origin: germline. Affected: yes.

GeneDx
Classification: Uncertain significance. Last evaluated: 2014-02-24. Review status: criteria provided, single submitter. Criteria: GeneDx Variant Classification (06012015). Collection method: clinical testing. Allele origin: germline. Affected: yes.
Comment: FAM175A has been only recently described in association with cancer predisposition and the risks are not well understood. This variant is denoted FAM175A c.1108T>A at the cDNA level, p.Ser370Thr (S370T) at the protein level, and results in the change of a Serine to a Threonine (TCT>ACT). This variant has not, to our knowledge, been published in the literature as pathogenic or benign. FAM175A Ser370Thr was not observed in approximately 6,500 individuals of European and African American ancestry in the NHLBI Exome Sequencing Project, indicating it is not a common benign variant in these populations. This variant is a conservative substitution of one neutral polar amino acid for another, altering a position that is highly variable throughout evolution and is not located in a known functional domain. In silico analyses predict this variant to have a benign effect on protein structure and function. On a molecular level, the impact of this missense variant on protein structure and function is not known and thus we consider this to be a variant of uncertain significance. Furthermore, based on the currently available information, cancer risks associated with this variant, and the FAM175A gene, remain unclear.